The following is an entry in ClinVar:

NM_001136157.2(OTUD5):c.41C>T (p.Ala14Val)

Gene: OTUD5 (OTU deubiquitinase 5; minus strand). Cytogenetic location: Xp11.23.
Variant type: single nucleotide variant.
Coding change: c.41C>T on transcript NM_001136157.2 (MANE Select); coding-DNA position 41, C replaced by T.
Protein change: p.Ala14Val; replaces alanine 14 with valine.
Molecular consequence: missense variant. On other transcripts: intron variant (1).
Genome position (GRCh38, 1-based): chrX:48,957,530, G>A on the plus strand (C>T on the coding strand, the complement: OTUD5 is on the minus strand). VCF-style: chrX-48957530-G-A. GRCh37 (hg19) VCF-style: chrX-48814792-G-A.
Other names: c.41C>T, p.Ala14Val (NM_001136158.2, NM_017602.4); c.-58+702C>T (NM_001136159.2); short protein forms A14V.
Identifiers: ClinVar variation 4532567 (VCV004532567.1).
Genomic context (GRCh38, chrX:48,957,530, plus strand): 5'-CCGCCGCGCCGCGGCGCCGGGGGCATCGGCCCGGGCGGCGGCGGCTCGTTGGCGGGGTCG[G>A]CGTCGGGAGGCGGCGGCTTCTTTTTGGGGAGTATAGTCATGGCTGCACTGCCGAGTACCC-3'
Protein context (NP_001129629.1, residues 4-24): LPKKKPPPPD[Ala14Val]DPANEPPPPG

ClinVar aggregate classification (germline): Uncertain significance (1 of 4 stars; one submission).

Submission:

GeneDx
Classification: Uncertain significance. Last evaluated: 2025-05-30. Review status: criteria provided, single submitter. Criteria: GeneDx Variant Classification Process June 2021. Collection method: clinical testing. Allele origin: germline. Affected: yes.
Comment: Not observed at significant frequency in large population cohorts (gnomAD); In silico analysis suggests that this missense variant does not alter protein structure/function; Has not been previously published as pathogenic or benign to our knowledge